The following is an entry in ClinVar:

ClinVar aggregate classification (germline): Uncertain significance. Review status: criteria provided, multiple submitters, no conflicts (2 of 4 stars). 2 submissions from 2 submitters: Uncertain significance (2). Last evaluated 2023-12-05.

Conditions:
Hereditary cancer-predisposing syndrome. Also called: Hereditary neoplastic syndrome; Tumor predisposition; Hereditary Cancer Syndrome; Neoplastic Syndromes, Hereditary. Identifiers: Orphanet 140162, MedGen C0027672, MeSH D009386, MONDO:0015356.

gnomAD v4.1: 2 of 1,614,138 alleles (0.00012%); highest among the groups gnomAD compares: South Asian, 0.0011%; no homozygotes.

Submissions (2):

Color Diagnostics, LLC DBA Color Health
Classification: Uncertain significance for Hereditary cancer-predisposing syndrome. Last evaluated: 2023-12-05. Review status: criteria provided, single submitter. Criteria: ACMG Guidelines, 2015. Collection method: clinical testing. Allele origin: germline.
Comment: This missense variant replaces tyrosine with phenylalanine at codon 156 of the CHEK2 protein. Computational prediction suggests that this variant may not impact protein structure and function (internally defined REVEL score threshold <= 0.5, PMID: 27666373). To our knowledge, functional studies have not been reported for this variant. This variant has not been reported in individuals affected with CHEK2-related disorders in the literature. This variant has not been identified in the general population by the Genome Aggregation Database (gnomAD). The available evidence is insufficient to determine the role of this variant in disease conclusively. Therefore, this variant is classified as a Variant of Uncertain Significance.

Ambry Genetics
Classification: Uncertain significance for Hereditary cancer-predisposing syndrome. Last evaluated: 2021-04-29. Review status: criteria provided, single submitter. Criteria: Ambry Variant Classification Scheme 2023. Collection method: clinical testing. Allele origin: germline.
Comment: The p.Y156F variant (also known as c.467A>T), located in coding exon 3 of the CHEK2 gene, results from an A to T substitution at nucleotide position 467. The tyrosine at codon 156 is replaced by phenylalanine, an amino acid with highly similar properties. This amino acid position is well conserved in available vertebrate species. In addition, this alteration is predicted to be tolerated by in silico analysis. Since supporting evidence is limited at this time, the clinical significance of this alteration remains unclear.

NM_007194.4(CHEK2):c.467A>T (p.Tyr156Phe)

Gene: CHEK2 (checkpoint kinase 2; minus strand). Cytogenetic location: 22q12.1.
Variant type: single nucleotide variant.
Coding change: c.467A>T on transcript NM_007194.4 (MANE Select); coding-DNA position 467, A replaced by T.
Protein change: p.Tyr156Phe; replaces tyrosine 156 with phenylalanine.
Molecular consequence: missense variant. On other transcripts: 5 prime UTR variant (2), intron variant (1).
Genome position (GRCh38, 1-based): chr22:28,725,102, T>A on the plus strand (A>T on the coding strand, the complement: CHEK2 is on the minus strand). VCF-style: chr22-28725102-T-A. GRCh37 (hg19) VCF-style: chr22-29121090-T-A.
Other names: c.596A>T, p.Tyr199Phe (NM_001005735.3, NM_001438294.1); c.-311A>T (NM_001257387.3); c.-197A>T (NM_001437942.1); c.560A>T, p.Tyr187Phe (NM_001438293.1, NM_001438295.1); c.467A>T, p.Tyr156Phe (NM_145862.3); c.444+141A>T (NM_001349956.3); short protein forms Y156F, Y199F, Y187F.
Identifiers: ClinVar variation 491616 (VCV000491616.6), dbSNP rs1555927004, ClinGen allele CA411107673.